The following is an entry in ClinVar:

NM_052947.4(ALPK2):c.5080C>G (p.Arg1694Gly)

Genes: ALPK2 (alpha kinase 2; minus strand), LOC130062577 (ATAC-STARR-seq lymphoblastoid active region 13389; plus strand). Cytogenetic location: 18q21.31.
Variant type: single nucleotide variant.
Coding change: c.5080C>G on transcript NM_052947.4 (MANE Select); coding-DNA position 5080, C replaced by G.
Protein change: p.Arg1694Gly; replaces arginine 1694 with glycine.
Molecular consequence: missense variant.
Genome position (GRCh38, 1-based): chr18:58,535,107, G>C on the plus strand (C>G on the coding strand, the complement: ALPK2 is on the minus strand). VCF-style: chr18-58535107-G-C. GRCh37 (hg19) VCF-style: chr18-56202339-G-C.
Other names: short protein forms R1694G.
Identifiers: ClinVar variation 2626003 (VCV002626003.2), dbSNP rs1259029395, ClinGen allele CA402558333.
Genomic context (GRCh38, chr18:58,535,107, plus strand): 5'-TCCTCTTGACCTCCTCTGACCCCGTCACTGCTGTGAGGGTCCCTGGCGATTTGCCTGCTC[G>C]GGCTTCCAGGGACTTCTCTCTCTCCCTGGACTTTTTCGCACAGCCCAGGGTGCCCTTTTG-3'
Protein context (NP_443179.3, residues 1684-1704): SREREKSLEA[Arg1694Gly]AGKSPGTLTA

ClinVar aggregate classification (germline): Uncertain significance (1 of 4 stars; one submission).

Submission:

Ambry Genetics
Classification: Uncertain significance. Last evaluated: 2023-07-26. Review status: criteria provided, single submitter. Criteria: Ambry Variant Classification Scheme 2023. Collection method: clinical testing. Allele origin: germline.
Comment: The p.R1694G variant (also known as c.5080C>G), located in coding exon 4 of the ALPK2 gene, results from a C to G substitution at nucleotide position 5080. The arginine at codon 1694 is replaced by glycine, an amino acid with dissimilar properties. This amino acid position is conserved. In addition, this alteration is predicted to be tolerated by in silico analysis. Since supporting evidence is limited at this time, the clinical significance of this alteration remains unclear.